The following is an entry in ClinVar:

ClinVar aggregate classification (germline): Conflicting classifications of pathogenicity. Review status: criteria provided, conflicting classifications (1 of 4 stars). 2 submissions from 2 submitters: Uncertain significance (1); Benign (1). Last evaluated 2026-01-31.

Conditions:
Hemochromatosis type 2A (HFE2A). Also called: Adult-Onset Hemochromatosis; HJV (HFE2)-Related Juvenile Hemochromatosis. Identifiers: Orphanet 79230, MedGen C1865614, MONDO:0011216, OMIM 602390.

Allele frequency attached by ClinVar (database versions not stated): TOPMed 0.00516; ESP Exome Variant Server 0.00615; 1000 Genomes Project 0.00679; 1000 Genomes Project 30x 0.00718.
gnomAD v4.1: 1,436 of 1,614,146 alleles (0.089%); highest among the groups gnomAD compares: African/African-American, 1.7%; 9 homozygotes.

Submissions (2):

Labcorp Genetics (formerly Invitae), Labcorp
Classification: Benign. Last evaluated: 2026-01-31. Review status: criteria provided, single submitter. Criteria: Invitae Variant Classification Sherloc (09022015). Collection method: clinical testing. Allele origin: germline.

Illumina Laboratory Services, Illumina
Classification: Uncertain significance for Hemochromatosis type 2A. Last evaluated: 2017-04-27. Review status: criteria provided, single submitter. Criteria: ICSL Variant Classification Criteria 13 December 2019. Collection method: clinical testing. Allele origin: germline.
Comment: This variant was observed as part of a predisposition screen in an ostensibly healthy population. A literature search was performed for the gene, cDNA change, and amino acid change (where applicable). Publications were found based on this search. However, the evidence from the literature, in combination with allele frequency data from public databases where available, was not sufficient to rule this variant in or out of causing disease. Therefore, this variant is classified as a variant of unknown significance.

Literature cited by the submitters: PubMed 15461631 (cited by Illumina Laboratory Services, Illumina); PubMed 18492090 (cited by Illumina Laboratory Services, Illumina); PubMed 17490902 (cited by Illumina Laboratory Services, Illumina).

NM_213653.4(HJV):c.792G>C (p.Ser264=)

Gene: HJV (hemojuvelin BMP co-receptor; minus strand). Cytogenetic location: 1q21.1.
Variant type: single nucleotide variant.
Coding change: c.792G>C on transcript NM_213653.4 (MANE Select); coding-DNA position 792, G replaced by C.
Protein change: p.Ser264=; no amino-acid change (serine 264 retained).
Molecular consequence: synonymous variant.
Genome position (GRCh38, 1-based): chr1:146,018,566, C>G on the plus strand (G>C on the coding strand, the complement: HJV is on the minus strand). VCF-style: chr1-146018566-C-G. GRCh37 (hg19) VCF-style: chr1-145416447-G-C.
Other names: c.114G>C, p.Ser38= (NM_001316767.2, NM_202004.4, NM_213652.4); c.792G>C, p.Ser264= (NM_001379352.1); c.453G>C, p.Ser151= (NM_145277.5).
Identifiers: ClinVar variation 536407 (VCV000536407.14), dbSNP rs35710964, ClinGen allele CA1053895.